The following is an entry in ClinVar:

ClinVar aggregate classification (germline): Likely benign (1 of 4 stars; one submission).

Conditions:
Rubinstein-Taybi syndrome due to CREBBP mutations (RSTS1). Also called: Rubinstein-Taybi syndrome 1; BROAD THUMB-HALLUX SYNDROME; RUBINSTEIN-TAYBI SYNDROME 1, INCOMPLETE; BROAD THUMBS AND GREAT TOES, CHARACTERISTIC FACIES, AND IMPAIRED INTELLECTUAL DEVELOPMENT; RUBINSTEIN SYNDROME; CREBBP-Related Rubinstein-Taybi Syndrome. Identifiers: Orphanet 353277, Orphanet 783, MedGen C4551859, MONDO:0008393, OMIM 180849.

Submission:

Institute of Human Genetics, University of Leipzig Medical Center
Classification: Likely benign for Rubinstein-Taybi syndrome due to CREBBP mutations. Last evaluated: 2019-01-01. Review status: criteria provided, single submitter. Criteria: ACMG Guidelines, 2015. Collection method: clinical testing. Allele origin: unknown. Affected: no.
Comment: This variant was identified as compound heterozygous.

NM_004380.3(CREBBP):c.5763C>G (p.Phe1921Leu)

Gene: CREBBP (CREB binding lysine acetyltransferase; minus strand). Cytogenetic location: 16p13.3.
Variant type: single nucleotide variant.
Coding change: c.5763C>G on transcript NM_004380.3 (MANE Select); coding-DNA position 5763, C replaced by G.
Protein change: p.Phe1921Leu; replaces phenylalanine 1921 with leucine.
Molecular consequence: missense variant.
Genome position (GRCh38, 1-based): chr16:3,729,284, G>C on the plus strand (C>G on the coding strand, the complement: CREBBP is on the minus strand). VCF-style: chr16-3729284-G-C. GRCh37 (hg19) VCF-style: chr16-3779285-G-C.
Other names: c.5649C>G, p.Phe1883Leu (NM_001079846.1); short protein forms F1883L, F1921L.
Identifiers: ClinVar variation 982998 (VCV000982998.1), dbSNP rs2051845365, ClinGen allele CA394555584.